The following is an entry in ClinVar:

ClinVar aggregate classification (germline): Pathogenic (1 of 4 stars; one submission).

Conditions:
Neurofibromatosis, type 1 (NF1). Also called: VON RECKLINGHAUSEN DISEASE; Peripheral type neurofibromatosis; NEUROFIBROMATOSIS, TYPE I, SOMATIC; Neurofibromatosis, type I. Identifiers: Orphanet 636, MedGen C0027831, MONDO:0018975, OMIM 162200. Disease mechanism: loss of function.

Submission:

Labcorp Genetics (formerly Invitae), Labcorp
Classification: Pathogenic for Neurofibromatosis, type 1. Last evaluated: 2025-02-12. Review status: criteria provided, single submitter. Criteria: Invitae Variant Classification Sherloc (09022015). Collection method: clinical testing. Allele origin: germline.
Comment: This sequence change affects a donor splice site in intron 29 of the NF1 gene. It is expected to disrupt RNA splicing. Variants that disrupt the donor or acceptor splice site typically lead to a loss of protein function (PMID: 16199547), and loss-of-function variants in NF1 are known to be pathogenic (PMID: 10712197, 23913538). This variant is not present in population databases (gnomAD no frequency). Disruption of this splice site has been observed in individual(s) with neurofibromatosis type 1 (NF1) (PMID: 17311297). ClinVar contains an entry for this variant (Variation ID: 1073773). Algorithms developed to predict the effect of sequence changes on RNA splicing suggest that this variant may disrupt the consensus splice site. For these reasons, this variant has been classified as Pathogenic.

Literature cited by the submitters: PubMed 16199547; PubMed 10712197; PubMed 23913538; PubMed 17311297.

NM_001042492.3(NF1):c.3974+1G>T

Gene: NF1 (neurofibromin 1; plus strand). Cytogenetic location: 17q11.2.
Variant type: single nucleotide variant.
Coding change: c.3974+1G>T on transcript NM_001042492.3 (MANE Select); the canonical splice donor site of the intron after coding-DNA position 3974, G replaced by T.
Molecular consequence: splice donor variant.
Genome position (GRCh38, 1-based): chr17:31,236,022, G>T. VCF-style: chr17-31236022-G-T. GRCh37 (hg19) VCF-style: chr17-29563040-G-T.
Other names: c.3974+1G>T (NM_000267.4).
Identifiers: ClinVar variation 1073773 (VCV001073773.5), dbSNP rs1567852849, ClinGen allele CA398993360.